The following is an entry in ClinVar:

NM_001985.3(ETFB):c.438+5G>A

Gene: ETFB (electron transfer flavoprotein subunit beta; minus strand). Cytogenetic location: 19q13.41.
Variant type: single nucleotide variant.
Coding change: c.438+5G>A on transcript NM_001985.3 (MANE Select); 5 bases into the intron after coding-DNA position 438, G replaced by A.
Molecular consequence: intron variant.
Genome position (GRCh38, 1-based): chr19:51,350,324, C>T on the plus strand (G>A on the coding strand, the complement: ETFB is on the minus strand). VCF-style: chr19-51350324-C-T. GRCh37 (hg19) VCF-style: chr19-51853578-C-T.
Other names: c.711+5G>A (NM_001014763.1).
Identifiers: ClinVar variation 2046136 (VCV002046136.2), dbSNP rs1450691951, ClinGen allele CA2580097658.
Genomic context (GRCh38, chr19:51,350,324, plus strand): 5'-GGCAGAAATGAAGTTTGAGGGATGAGGGCCTGGCCCTCAGCAGGTGCTCCCCACTCCAGT[C>T]TCACCTGTGGCCAGTCAAGAAATCCAGCTGTCATCTGCCCTGTCTGGTTACAGTCATCAT-3'

ClinVar aggregate classification (germline): Uncertain significance (1 of 4 stars; one submission).

Conditions:
Multiple acyl-CoA dehydrogenase deficiency (MADD). Also called: Glutaric Acidemia type 2; ETHYLMALONIC-ADIPICACIDURIA; GA II; Glutaric aciduria, type 2; Glutaric acidemia type II; GA 2. Identifiers: Orphanet 26791, MedGen C0268596, MONDO:0009282, OMIM 231680.

Submission:

Labcorp Genetics (formerly Invitae), Labcorp
Classification: Uncertain significance for Multiple acyl-CoA dehydrogenase deficiency. Last evaluated: 2022-06-20. Review status: criteria provided, single submitter. Criteria: Invitae Variant Classification Sherloc (09022015). Collection method: clinical testing. Allele origin: germline.
Comment: In summary, the available evidence is currently insufficient to determine the role of this variant in disease. Therefore, it has been classified as a Variant of Uncertain Significance. Variants that disrupt the consensus splice site are a relatively common cause of aberrant splicing (PMID: 17576681, 9536098). Algorithms developed to predict the effect of sequence changes on RNA splicing suggest that this variant may disrupt the consensus splice site. This variant has not been reported in the literature in individuals affected with ETFB-related conditions. This variant is not present in population databases (gnomAD no frequency). This sequence change falls in intron 4 of the ETFB gene. It does not directly change the encoded amino acid sequence of the ETFB protein. It affects a nucleotide within the consensus splice site.

Literature cited by the submitters: PubMed 17576681; PubMed 9536098.